The following is an entry in ClinVar:

NM_001329943.3(KIAA0586):c.3500C>T (p.Pro1167Leu)

Gene: KIAA0586 (KIAA0586; plus strand). Cytogenetic location: 14q23.1.
Variant type: single nucleotide variant.
Coding change: c.3500C>T on transcript NM_001329943.3 (MANE Select); coding-DNA position 3500, C replaced by T.
Protein change: p.Pro1167Leu; replaces proline 1167 with leucine.
Molecular consequence: missense variant.
Genome position (GRCh38, 1-based): chr14:58,488,082, C>T. VCF-style: chr14-58488082-C-T. GRCh37 (hg19) VCF-style: chr14-58954800-C-T.
Other names: c.3500C>T, p.Pro1167Leu (NM_001329946.2, NM_001329947.2, NM_001329944.2); c.3245C>T, p.Pro1082Leu (NM_001364700.1, NM_001364701.2, NM_001244191.2 and 1 more transcripts); c.3272C>T, p.Pro1091Leu (NM_014749.5); c.3659C>T, p.Pro1220Leu (NM_001244189.2); c.3455C>T, p.Pro1152Leu (NM_001244190.2); c.3368C>T, p.Pro1123Leu (NM_001244192.2); c.3080C>T, p.Pro1027Leu (NM_001244193.2); short protein forms P1220L, P1082L, P1167L, P1123L, P1152L, P1027L, P1091L.
Identifiers: ClinVar variation 1925065 (VCV001925065.5), dbSNP rs1207300604, ClinGen allele CA389882219.

ClinVar aggregate classification (germline): Uncertain significance (1 of 4 stars; one submission).

Conditions:
Short-rib thoracic dysplasia 14 with polydactyly (SRTD14). Identifiers: Orphanet 397715, MedGen C4225286, MONDO:0014688, OMIM 616546.
Joubert syndrome 23 (JBTS23). Identifiers: Orphanet 475, MedGen C4084822, MONDO:0014664, OMIM 616490.

Allele frequency attached by ClinVar (database versions not stated): gnomAD exomes below 0.00001.
gnomAD v4.1: 2 of 1,604,484 alleles (0.00012%); highest among the groups gnomAD compares: Non-Finnish European, 0.00017%; no homozygotes.

Submission:

Labcorp Genetics (formerly Invitae), Labcorp
Classification: Uncertain significance for Joubert syndrome 23; Short-rib thoracic dysplasia 14 with polydactyly. Last evaluated: 2022-03-20. Review status: criteria provided, single submitter. Criteria: Invitae Variant Classification Sherloc (09022015). Collection method: clinical testing. Allele origin: germline.
Comment: This sequence change replaces proline, which is neutral and non-polar, with leucine, which is neutral and non-polar, at codon 1220 of the KIAA0586 protein (p.Pro1220Leu). The frequency data for this variant in the population databases is considered unreliable, as metrics indicate poor data quality at this position in the gnomAD database. This variant has not been reported in the literature in individuals affected with KIAA0586-related conditions. Algorithms developed to predict the effect of missense changes on protein structure and function output the following: SIFT: "Tolerated"; PolyPhen-2: "Benign"; Align-GVGD: "Class C0". The leucine amino acid residue is found in multiple mammalian species, which suggests that this missense change does not adversely affect protein function. In summary, the available evidence is currently insufficient to determine the role of this variant in disease. Therefore, it has been classified as a Variant of Uncertain Significance.